The following is an entry in ClinVar:

ClinVar aggregate classification (germline): Uncertain significance. Review status: criteria provided, multiple submitters, no conflicts (2 of 4 stars). 3 submissions from 3 submitters: Uncertain significance (3). Last evaluated 2026-07-11.

Conditions:
Familial thoracic aortic aneurysm and aortic dissection (TAAD). Also called: Thoracic aortic aneurysms and dissections. Identifiers: Orphanet 91387, MedGen C4707243, MONDO:0019625.

Allele frequency attached by ClinVar (database versions not stated): gnomAD exomes below 0.00001; TOPMed below 0.00001; gnomAD 0.00001.
gnomAD v4.1: 2 of 1,614,058 alleles (0.00012%); highest among the groups gnomAD compares: African/African-American, 0.0027%; no homozygotes.

Submissions (3):

Ambry Genetics
Classification: Uncertain significance for Familial thoracic aortic aneurysm and aortic dissection. Last evaluated: 2026-07-11. Review status: criteria provided, single submitter. Criteria: Ambry Variant Classification Scheme 2023. Collection method: clinical testing. Allele origin: germline.
Comment: The p.I2475M variant (also known as c.7425T>G), located in coding exon 59 of the FBN1 gene, results from a T to G substitution at nucleotide position 7425. The isoleucine at codon 2475 is replaced by methionine, an amino acid with highly similar properties. This amino acid position is conserved. In addition, the in silico prediction for this alteration is inconclusive. Based on the available evidence, the clinical significance of this variant remains unclear.

GeneDx
Classification: Uncertain significance. Last evaluated: 2024-06-14. Review status: criteria provided, single submitter. Criteria: GeneDx Variant Classification Process June 2021. Collection method: clinical testing. Allele origin: germline. Affected: yes.
Comment: Not observed at significant frequency in large population cohorts (gnomAD); In silico analysis indicates that this missense variant does not alter protein structure/function; Has not been previously published as pathogenic or benign to our knowledge; Does not affect a cysteine or calcium-binding residue within an EGF-like domain or a TGF-binding protein domain of the FBN1 gene; cysteine substitutions in the EGF-like domains represent the majority of pathogenic missense changes associated with FBN1-related disorders (PMID: 12938084); This variant is associated with the following publications: (PMID: 12938084)

CHEO Genetics Diagnostic Laboratory, Children's Hospital of Eastern Ontario
Classification: Uncertain significance for Familial thoracic aortic aneurysm and aortic dissection. Last evaluated: 2022-10-05. Review status: criteria provided, single submitter. Criteria: ACMG Guidelines, 2015. Collection method: clinical testing. Allele origin: germline.

NM_000138.5(FBN1):c.7425T>G (p.Ile2475Met)

Gene: FBN1 (fibrillin 1; minus strand). Cytogenetic location: 15q21.1.
Variant type: single nucleotide variant.
Coding change: c.7425T>G on transcript NM_000138.5 (MANE Select); coding-DNA position 7425, T replaced by G.
Protein change: p.Ile2475Met; replaces isoleucine 2475 with methionine.
Molecular consequence: missense variant.
Genome position (GRCh38, 1-based): chr15:48,425,397, A>C on the plus strand (T>G on the coding strand, the complement: FBN1 is on the minus strand). VCF-style: chr15-48425397-A-C. GRCh37 (hg19) VCF-style: chr15-48717594-A-C.
Other names: c.7425T>G, p.Ile2475Met (NM_001406716.1); short protein forms I2475M.
Identifiers: ClinVar variation 2691177 (VCV002691177.3), dbSNP rs2042971088, ClinGen allele CA392327687.